The following is an entry in ClinVar:

ClinVar aggregate classification (germline): Uncertain significance (1 of 4 stars; one submission).

Allele frequency attached by ClinVar (database versions not stated): ExAC 0.00001; gnomAD exomes 0.00001.
gnomAD v4.1: 10 of 1,601,748 alleles (0.00062%); highest among the groups gnomAD compares: Non-Finnish European, 0.00085%; no homozygotes.

Submission:

Labcorp Genetics (formerly Invitae), Labcorp
Classification: Uncertain significance. Last evaluated: 2022-09-19. Review status: criteria provided, single submitter. Criteria: Invitae Variant Classification Sherloc (09022015). Collection method: clinical testing. Allele origin: germline.
Comment: This sequence change replaces lysine, which is basic and polar, with glutamine, which is neutral and polar, at codon 258 of the PEX11B protein (p.Lys258Gln). This variant is present in population databases (rs782030227, gnomAD 0.002%). This variant has not been reported in the literature in individuals affected with PEX11B-related conditions. Algorithms developed to predict the effect of missense changes on protein structure and function are either unavailable or do not agree on the potential impact of this missense change (SIFT: "Tolerated"; PolyPhen-2: "Possibly Damaging"; Align-GVGD: "Class C0"). In summary, the available evidence is currently insufficient to determine the role of this variant in disease. Therefore, it has been classified as a Variant of Uncertain Significance.

NM_003846.3(PEX11B):c.772A>C (p.Lys258Gln)

Gene: PEX11B (peroxisomal biogenesis factor 11 beta; minus strand). Cytogenetic location: 1q21.1.
Variant type: single nucleotide variant.
Coding change: c.772A>C on transcript NM_003846.3 (MANE Select); coding-DNA position 772, A replaced by C.
Protein change: p.Lys258Gln; replaces lysine 258 with glutamine.
Molecular consequence: missense variant. On other transcripts: non-coding transcript variant (3).
Genome position (GRCh38, 1-based): chr1:145,912,169, T>G on the plus strand (A>C on the coding strand, the complement: PEX11B is on the minus strand). VCF-style: chr1-145912169-T-G. GRCh37 (hg19) VCF-style: chr1-145522911-A-C.
Other names: c.730A>C, p.Lys244Gln (NM_001184795.1); short protein forms K258Q, K244Q.
Identifiers: ClinVar variation 2125124 (VCV002125124.4), dbSNP rs782030227, ClinGen allele CA1055665.